The following is an entry in ClinVar:

ClinVar aggregate classification (germline): Uncertain significance (1 of 4 stars; one submission).

Conditions:
Hereditary cancer-predisposing syndrome. Also called: Hereditary neoplastic syndrome; Neoplastic Syndromes, Hereditary; Tumor predisposition; Hereditary Cancer Syndrome. Identifiers: Orphanet 140162, MedGen C0027672, MeSH D009386, MONDO:0015356.

Submission:

Ambry Genetics
Classification: Uncertain significance for Hereditary cancer-predisposing syndrome. Last evaluated: 2025-08-27. Review status: criteria provided, single submitter. Criteria: Ambry Variant Classification Scheme 2023. Collection method: clinical testing. Allele origin: germline.
Comment: The p.S298I variant (also known as c.893G>T), located in coding exon 10 of the MUTYH gene, results from a G to T substitution at nucleotide position 893. The serine at codon 298 is replaced by isoleucine, an amino acid with dissimilar properties. This amino acid position is conserved. In addition, the in silico prediction for this alteration is inconclusive. Based on the available evidence, the clinical significance of this variant remains unclear.

NM_001048174.2(MUTYH):c.809G>T (p.Ser270Ile)

Gene: MUTYH (mutY DNA glycosylase; minus strand). Cytogenetic location: 1p34.1.
Variant type: single nucleotide variant.
Coding change: c.809G>T on transcript NM_001048174.2 (MANE Select); coding-DNA position 809, G replaced by T.
Protein change: p.Ser270Ile; replaces serine 270 with isoleucine.
Molecular consequence: missense variant. On other transcripts: non-coding transcript variant (7).
Genome position (GRCh38, 1-based): chr1:45,332,206, C>A on the plus strand (G>T on the coding strand, the complement: MUTYH is on the minus strand). VCF-style: chr1-45332206-C-A. GRCh37 (hg19) VCF-style: chr1-45797878-C-A.
Other names: c.809G>T, p.Ser270Ile (NM_001048171.2, NM_001407070.1, NM_001407089.1 and 6 more transcripts); c.464G>T, p.Ser155Ile (NM_001350650.2, NM_001350651.2, NM_001407082.1); c.842G>T, p.Ser281Ile (NM_001407069.1, NM_001407077.1, NM_001293191.2); c.725G>T, p.Ser242Ile (NM_001407075.1); c.812G>T, p.Ser271Ile (NM_001407071.1, NM_001048172.2, NM_001407078.1 and 1 more transcripts); c.893G>T, p.Ser298Ile (NM_001128425.2); c.854G>T, p.Ser285Ile (NM_001293190.2); c.533G>T, p.Ser178Ile (NM_001293192.2, NM_001293196.2, NM_001407091.1); and 5 more; short protein forms S256I, S277I, S295I, S155I, S257I, S270I, S298I, S178I.
Identifiers: ClinVar variation 4113888 (VCV004113888.1).